The following is an entry in ClinVar:

ClinVar aggregate classification (germline): Uncertain significance. Review status: criteria provided, multiple submitters, no conflicts (2 of 4 stars). 2 submissions from 2 submitters: Uncertain significance (2). Last evaluated 2022-06-01.

Conditions:
Inborn genetic diseases. Identifiers: MedGen C0950123, MeSH D030342.

Allele frequency attached by ClinVar (database versions not stated): ExAC 0.00002; gnomAD exomes 0.00003; gnomAD 0.00004; TOPMed 0.00008.
gnomAD v4.1: 50 of 1,614,008 alleles (0.0031%); highest among the groups gnomAD compares: Admixed American, 0.0067%; no homozygotes.

Submissions (2):

Labcorp Genetics (formerly Invitae), Labcorp
Classification: Uncertain significance. Last evaluated: 2022-06-01. Review status: criteria provided, single submitter. Criteria: Invitae Variant Classification Sherloc (09022015). Collection method: clinical testing. Allele origin: germline.
Comment: This sequence change replaces arginine, which is basic and polar, with tryptophan, which is neutral and slightly polar, at codon 927 of the TRAPPC9 protein (p.Arg927Trp). This variant is present in population databases (rs771057433, gnomAD 0.009%). This variant has not been reported in the literature in individuals affected with TRAPPC9-related conditions. Algorithms developed to predict the effect of missense changes on protein structure and function are either unavailable or do not agree on the potential impact of this missense change (SIFT: "Not Available"; PolyPhen-2: "Probably Damaging"; Align-GVGD: "Not Available"). In summary, the available evidence is currently insufficient to determine the role of this variant in disease. Therefore, it has been classified as a Variant of Uncertain Significance.

Ambry Genetics
Classification: Uncertain significance for Inborn genetic diseases. Last evaluated: 2021-08-02. Review status: criteria provided, single submitter. Criteria: Ambry Variant Classification Scheme 2023. Collection method: clinical testing. Allele origin: germline.

NM_001160372.4(TRAPPC9):c.2485C>T (p.Arg829Trp)

Gene: TRAPPC9 (trafficking protein particle complex subunit 9; minus strand). Cytogenetic location: 8q24.3.
Variant type: single nucleotide variant.
Coding change: c.2485C>T on transcript NM_001160372.4 (MANE Select); coding-DNA position 2485, C replaced by T.
Protein change: p.Arg829Trp; replaces arginine 829 with tryptophan.
Molecular consequence: missense variant. On other transcripts: non-coding transcript variant (1).
Genome position (GRCh38, 1-based): chr8:140,221,530, G>A on the plus strand (C>T on the coding strand, the complement: TRAPPC9 is on the minus strand). VCF-style: chr8-140221530-G-A. GRCh37 (hg19) VCF-style: chr8-141231629-G-A.
Other names: c.2458C>T, p.Arg820Trp (NM_001321646.2); c.2506C>T, p.Arg836Trp (NM_001374682.1); c.2485C>T, p.Arg829Trp (NM_001374683.1, NM_031466.8); c.2341C>T, p.Arg781Trp (NM_001374684.1); short protein forms R781W, R820W, R829W, R836W.
Identifiers: ClinVar variation 2053033 (VCV002053033.2), dbSNP rs771057433, ClinGen allele CA4893077.
Genomic context (GRCh38, chr8:140,221,530, plus strand): 5'-TGTAGTCGCCTGCTTTGTTGCTCTCGGGTGGGTTCACAGGTTTGCCCTCCACTCGGGGCC[G>A]AACGACCTGCCGAAAAGGACTGGACAGGGGAAAGCCACTCACACTGATTCCATCTACAAA-3'
Protein context (NP_001153844.1, residues 819-839): PLSSPFRQVV[Arg829Trp]PRVEGKPVNP